The following is an entry in ClinVar:

ClinVar aggregate classification (germline): Likely pathogenic (3 of 4 stars; one submission).

Conditions:
Creatine transporter deficiency (CCDS1). Also called: CEREBRAL CREATINE DEFICIENCY SYNDROME 1; Creatine Transporter (CRTR) Deficiency; Mental retardation , X-linked with seizures, short stature and midface hypoplasia; Mental retardation , X-linked, with creatine transport deficiency; X-linked creatine transporter deficiency; X-linked creatine deficiency syndrome. Identifiers: Orphanet 52503, MedGen C1845862, MONDO:0010305, OMIM 300352.

Submission:

ClinGen Cerebral Creatine Deficiency Syndromes Variant Curation Expert Panel, ClinGen
Classification: Likely pathogenic for Creatine transporter deficiency. Last evaluated: 2023-08-10. Review status: reviewed by expert panel. Criteria: ClinGen_CCDS_ACMG_Specifications_SLC6A8_v1.1. Collection method: curation. Allele origin: germline. Inheritance: X-linked inheritance.
Comment: The NM_005629.4:c.1592_1639dup133 variant in SLC6A8 is a tandem duplication involving exons 11 and 12 that was experimentally verified via cDNA analysis of patient mRNA to result in a 48 nucleotide insertion between exons 11 and 12, leading to a 16 amino acid insertion in a non-repeat region of the encoded protein (PMID: 24140398) (PM4). The variant is absent in gnomAD v2.1.1. (PM2_Supporting). There is no ClinVar entry for this variant. In summary, this variant meets criteria to be classified as likely pathogenic for creatine transporter deficiency. SLC6A8-specific criteria applied, as specified by the ClinGen CCDS VCEP (Specifications Version 1.1.0): PM4, PM2_Supporting, PP4_Strong. (Classification approved by the ClinGen CCDS VCEP, August 10, 2023)

NM_005629.4(SLC6A8):c.1592_1639dup (p.Gly533fs)

Gene: SLC6A8 (solute carrier family 6 member 8; plus strand). Cytogenetic location: Xq28.
Variant type: Duplication.
Coding change: c.1592_1639dup on transcript NM_005629.4 (MANE Select); coding-DNA positions 1592 to 1639, 48 bases duplicated.
Protein change: p.Gly533fs; shifts the reading frame from glycine 533.
Molecular consequence: frameshift variant, splice acceptor variant, splice donor variant.
Genome position: GRCh38: chrX:153,694,629-153,694,761. GRCh37 (hg19): chrX:152,960,084-152,960,216.
Other names: NM_001142805.2:c.1562_1609dup; c.1562_1609dup, p.Gly523fs (NM_001142805.2); c.1247_1294dup, p.Gly418fs (NM_001142806.1); short protein forms G418fs, G523fs, G533fs.
Identifiers: ClinVar variation 2583096 (VCV002583096.1), ClinGen allele CA2580610966.